The following is an entry in ClinVar:

NM_000051.4(ATM):c.2217A>T (p.Glu739Asp)

Gene: ATM (ATM serine/threonine kinase; plus strand). Cytogenetic location: 11q22.3.
Variant type: single nucleotide variant.
Coding change: c.2217A>T on transcript NM_000051.4 (MANE Select); coding-DNA position 2217, A replaced by T.
Protein change: p.Glu739Asp; replaces glutamic acid 739 with aspartic acid.
Molecular consequence: missense variant.
Genome position (GRCh38, 1-based): chr11:108,256,307, A>T. VCF-style: chr11-108256307-A-T. GRCh37 (hg19) VCF-style: chr11-108127034-A-T.
Other names: c.2217A>T, p.Glu739Asp (NM_001351834.2); short protein forms E739D.
Identifiers: ClinVar variation 2698425 (VCV002698425.3), dbSNP rs2135394271, ClinGen allele CA382539100.

ClinVar aggregate classification (germline): Uncertain significance (1 of 4 stars; one submission).

Conditions:
Ataxia-telangiectasia syndrome (AT). Also called: Cerebello-oculocutaneous telangiectasia; Immunodeficiency with ataxia telangiectasia; Ataxia-telangiectasia, complementation group E; LOUIS-BAR SYNDROME; Ataxia telangiectasia (A-T); AT, COMPLEMENTATION GROUP C. Identifiers: Orphanet 100, MedGen C0004135, MONDO:0008840, OMIM 208900.

Submission:

Labcorp Genetics (formerly Invitae), Labcorp
Classification: Uncertain significance for Ataxia-telangiectasia syndrome. Last evaluated: 2023-11-24. Review status: criteria provided, single submitter. Criteria: Invitae Variant Classification Sherloc (09022015). Collection method: clinical testing. Allele origin: germline.
Comment: This sequence change replaces glutamic acid, which is acidic and polar, with aspartic acid, which is acidic and polar, at codon 739 of the ATM protein (p.Glu739Asp). This variant is not present in population databases (gnomAD no frequency). This variant has not been reported in the literature in individuals affected with ATM-related conditions. Algorithms developed to predict the effect of missense changes on protein structure and function output the following: SIFT: "Not Available"; PolyPhen-2: "Benign"; Align-GVGD: "Not Available". The aspartic acid amino acid residue is found in multiple mammalian species, which suggests that this missense change does not adversely affect protein function. In summary, the available evidence is currently insufficient to determine the role of this variant in disease. Therefore, it has been classified as a Variant of Uncertain Significance.